The following is an entry in ClinVar:

NM_016026.4(RDH11):c.514A>G (p.Ile172Val)

Genes: GPHN (gephyrin; plus strand), RDH11 (retinol dehydrogenase 11; minus strand). Cytogenetic location: 14q24.1.
Variant type: single nucleotide variant.
Coding change: c.514A>G on transcript NM_016026.4 (MANE Select); coding-DNA position 514, A replaced by G.
Protein change: p.Ile172Val; replaces isoleucine 172 with valine.
Molecular consequence: missense variant. On other transcripts: intron variant (1).
Genome position (GRCh38, 1-based): chr14:67,690,362, T>C on the plus strand (A>G on the coding strand, the complement: RDH11 is on the minus strand). VCF-style: chr14-67690362-T-C. GRCh37 (hg19) VCF-style: chr14-68157079-T-C.
Other names: c.454+778A>G (NM_001252650.2); short protein forms I172V.
Identifiers: ClinVar variation 2083814 (VCV002083814.1), dbSNP rs1281701100, ClinGen allele CA390133699.

ClinVar aggregate classification (germline): Uncertain significance (1 of 4 stars; one submission).

Allele frequency attached by ClinVar (database versions not stated): gnomAD 0.00001; TOPMed 0.00001; gnomAD exomes 0.00005.
gnomAD v4.1: 28 of 1,614,080 alleles (0.0017%); highest among the groups gnomAD compares: East Asian, 0.062%; no homozygotes.

Submission:

Labcorp Genetics (formerly Invitae), Labcorp
Classification: Uncertain significance. Last evaluated: 2022-10-24. Review status: criteria provided, single submitter. Criteria: Invitae Variant Classification Sherloc (09022015). Collection method: clinical testing. Allele origin: germline.
Comment: This sequence change replaces isoleucine, which is neutral and non-polar, with valine, which is neutral and non-polar, at codon 172 of the RDH11 protein (p.Ile172Val). This variant is not present in population databases (gnomAD no frequency). This variant has not been reported in the literature in individuals affected with RDH11-related conditions. Algorithms developed to predict the effect of missense changes on protein structure and function output the following: SIFT: "Tolerated"; PolyPhen-2: "Benign"; Align-GVGD: "Class C0". The valine amino acid residue is found in multiple mammalian species, which suggests that this missense change does not adversely affect protein function. In summary, the available evidence is currently insufficient to determine the role of this variant in disease. Therefore, it has been classified as a Variant of Uncertain Significance.